The following is an entry in ClinVar:

ClinVar aggregate classification (germline): Pathogenic (1 of 4 stars; one submission).

Conditions:
Congenital lipoid adrenal hyperplasia due to STAR deficency. Also called: ADRENAL HYPERPLASIA I; Cholesterol monooxygenase (side-chain cleaving) deficiency; Congenital Lipoid Adrenal Hyperplasia; Lipoid adrenal hyperplasia. Identifiers: Orphanet 418, Orphanet 90790, MedGen C0342474, MONDO:0008725, OMIM 201710.

Submission:

Myriad Genetics, Inc.
Classification: Pathogenic for Congenital lipoid adrenal hyperplasia due to STAR deficency. Last evaluated: 2023-09-10. Review status: criteria provided, single submitter. Criteria: Myriad Autosomal Dominant, Autosomal Recessive and X-Linked Classification Criteria (2023). Collection method: clinical testing. Allele origin: unknown.
Comment: NM_000349.2(STAR):c.369_370ins11(V124Yfs*66) is expected to be pathogenic in the context of lipoid congenital adrenal hyperplasia. This variant is predicted to lead to an abnormal or absent protein product due to the creation of a premature termination codon in STAR, a gene where loss-of-function variants are known to be pathogenic. Please note: this variant was assessed in the context of healthy population screening.

NM_000349.3(STAR):c.369_370insTATAAGAGACA (p.Val124fs)

Gene: STAR (steroidogenic acute regulatory protein; minus strand). Cytogenetic location: 8p11.23.
Variant type: Insertion.
Coding change: c.369_370insTATAAGAGACA on transcript NM_000349.3 (MANE Select); coding-DNA positions 369 to 370, TATAAGAGACA inserted.
Protein change: p.Val124fs; shifts the reading frame from valine 124.
Molecular consequence: frameshift variant.
Genome position: GRCh38 VCF-style: chr8-38146384-C-CTGTCTCTTATA. GRCh37 (hg19) VCF-style: chr8-38003902-C-CTGTCTCTTATA.
Other names: short protein forms V124fs.
Identifiers: ClinVar variation 5011627 (VCV005011627.1).
Genomic context (GRCh38, chr8:38,146,384, plus strand): 5'-TTGCTTCCATGCGCTCCACGAGCTCTTCATAGAGCCTCTCCATGGGCTGGTCCACCACGA[C>CTGTCTCTTATA]CTCCAGCCGGAACACCTTGCCCACATCTGGGACCACTTTACTCATCACTTTGTCCCCATT-3'